The following is an entry in ClinVar:

NM_001291867.2(NHS):c.2071T>C (p.Leu691=)

Gene: NHS (NHS actin remodeling regulator; plus strand). Cytogenetic location: Xp22.13.
Variant type: single nucleotide variant.
Coding change: c.2071T>C on transcript NM_001291867.2 (MANE Select); coding-DNA position 2071, T replaced by C.
Protein change: p.Leu691=; no amino-acid change (leucine 691 retained).
Molecular consequence: synonymous variant.
Genome position (GRCh38, 1-based): chrX:17,726,177, T>C. VCF-style: chrX-17726177-T-C. GRCh37 (hg19) VCF-style: chrX-17744297-T-C.
Other names: c.1540T>C, p.Leu514= (NM_001136024.4); c.1477T>C, p.Leu493= (NM_001291868.2); c.1732T>C, p.Leu578= (NM_001440780.1); c.2008T>C, p.Leu670= (NM_198270.4).
Identifiers: ClinVar variation 4873534 (VCV004873534.2).

ClinVar aggregate classification (germline): Likely benign (1 of 4 stars; one submission).

gnomAD v4.1: 10 of 1,211,944 alleles (0.00083%); highest among the groups gnomAD compares: Middle Eastern, 0.14%; no homozygotes.

Submission:

CeGaT Center for Human Genetics Tuebingen
Classification: Likely benign. Last evaluated: 2026-04-01. Review status: criteria provided, single submitter. Criteria: CeGaT Center For Human Genetics Tuebingen Variant Classification Criteria Version 2. Collection method: clinical testing. Allele origin: germline. Affected: yes. Observed: 1 variant allele.
Comment: NHS: BP4, BP7, BS2